The following is an entry in ClinVar:

NM_016239.4(MYO15A):c.6281G>A (p.Arg2094His)

Gene: MYO15A (myosin XVA; plus strand). Cytogenetic location: 17p11.2.
Variant type: single nucleotide variant.
Coding change: c.6281G>A on transcript NM_016239.4 (MANE Select); coding-DNA position 6281, G replaced by A.
Protein change: p.Arg2094His; replaces arginine 2094 with histidine.
Molecular consequence: missense variant.
Genome position (GRCh38, 1-based): chr17:18,145,879, G>A. VCF-style: chr17-18145879-G-A. GRCh37 (hg19) VCF-style: chr17-18049193-G-A.
Other names: short protein forms R2094H.
Identifiers: ClinVar variation 3370470 (VCV003370470.1).

ClinVar aggregate classification (germline): Likely pathogenic (1 of 4 stars; one submission).

Conditions:
Autosomal recessive nonsyndromic hearing loss 3. Also called: NEUROSENSORY NONSYNDROMIC RECESSIVE DEAFNESS 3. Identifiers: Orphanet 90636, MedGen C1838263, MONDO:0010860, OMIM 600316.

gnomAD v4.1: 13 of 1,613,194 alleles (0.00081%); highest among the groups gnomAD compares: African/African-American, 0.0013%; no homozygotes.

Submission:

ENT and Head and Neck Research Center and Department,  The Five Senses Health Institute, Iran University of Medical Sciences
Classification: Likely pathogenic for Autosomal recessive nonsyndromic hearing loss 3. Last evaluated: 2024-11-02. Review status: criteria provided, single submitter. Criteria: ClinGen HL ACMG Specifications v1. Collection method: clinical testing. Allele origin: germline. Affected: yes.
Comment: PP3: MetaRNN = 0.863 is between 0.841 and 0.939 ⇒ moderate pathogenic., PM1: UniProt protein MYO15_HUMAN domain 'MyTH4 1' has 56 missense/in-frame variants (15 pathogenic variants, 40 uncertain variants and 1 benign variant), which qualifies as supporting pathogenic., PM2: Variant not found in gnomAD genomes, PM3: For recessive disorders, identifying a variant in trans

Literature cited by the submitters: DOI 10.1038/s41598-025-99417-7.